The following is an entry in ClinVar:

ClinVar aggregate classification (germline): Uncertain significance. Review status: criteria provided, multiple submitters, no conflicts (2 of 4 stars). 3 submissions from 3 submitters: Uncertain significance (3). Last evaluated 2022-10-04.

Conditions:
Inborn genetic diseases. Identifiers: MedGen C0950123, MeSH D030342.

Allele frequency attached by ClinVar (database versions not stated): gnomAD exomes 0.00002; ExAC 0.00003; TOPMed 0.00005; gnomAD 0.00006 and 0.00007; 1000 Genomes Project 0.00040; 1000 Genomes Project 30x 0.00047.
gnomAD v4.1: 79 of 1,579,778 alleles (0.005%); highest among the groups gnomAD compares: African/African-American, 0.0067%; no homozygotes.

Submissions (3):

Blueprint Genetics
Classification: Uncertain significance. Last evaluated: 2022-10-04. Review status: criteria provided, single submitter. Criteria: ACMG Guidelines, 2015. Collection method: clinical testing. Allele origin: germline.

Labcorp Genetics (formerly Invitae), Labcorp
Classification: Uncertain significance. Last evaluated: 2022-08-16. Review status: criteria provided, single submitter. Criteria: Invitae Variant Classification Sherloc (09022015). Collection method: clinical testing. Allele origin: germline.
Comment: In summary, the available evidence is currently insufficient to determine the role of this variant in disease. Therefore, it has been classified as a Variant of Uncertain Significance. Algorithms developed to predict the effect of missense changes on protein structure and function (SIFT, PolyPhen-2, Align-GVGD) all suggest that this variant is likely to be disruptive. ClinVar contains an entry for this variant (Variation ID: 1041777). This variant has not been reported in the literature in individuals affected with ARHGEF18-related conditions. The frequency data for this variant in the population databases is considered unreliable, as metrics indicate poor data quality at this position in the gnomAD database. This sequence change replaces arginine, which is basic and polar, with tryptophan, which is neutral and slightly polar, at codon 626 of the ARHGEF18 protein (p.Arg626Trp).

Ambry Genetics
Classification: Uncertain significance for Inborn genetic diseases. Last evaluated: 2021-09-27. Review status: criteria provided, single submitter. Criteria: Ambry Variant Classification Scheme 2023. Collection method: clinical testing. Allele origin: germline.

NM_001367823.1(ARHGEF18):c.2440C>T (p.Arg814Trp)

Gene: ARHGEF18 (Rho/Rac guanine nucleotide exchange factor 18; plus strand). Cytogenetic location: 19p13.2.
Variant type: single nucleotide variant.
Coding change: c.2440C>T on transcript NM_001367823.1 (MANE Select); coding-DNA position 2440, C replaced by T.
Protein change: p.Arg814Trp; replaces arginine 814 with tryptophan.
Molecular consequence: missense variant.
Genome position (GRCh38, 1-based): chr19:7,459,982, C>T. VCF-style: chr19-7459982-C-T. GRCh37 (hg19) VCF-style: chr19-7524868-C-T.
Other names: c.1876C>T (NM_001130955.1); c.1714C>T, p.Arg572Trp (NM_001130955.2); c.1402C>T, p.Arg468Trp (NM_001367824.1, NM_015318.4); short protein forms R468W, R814W, R572W.
Identifiers: ClinVar variation 1041777 (VCV001041777.9), dbSNP rs569057227, ClinGen allele CA9136839.
Genomic context (GRCh38, chr19:7,459,982, plus strand): 5'-GGGCCCTTCAGCCTGCCCGAAGAGGAAAGGAAGGTGGTCGAGGCCCGCGCCACGAGACTC[C>T]GGGACTTTCAAGGTGAGCGGGAGACAGCGTCTGGGCACACCCCTTGTGTGGTGAGCCCTG-3'
Protein context (NP_001354752.1, residues 804-824): KVVEARATRL[Arg814Trp]DFQERLSMKD